The following is an entry in ClinVar:

NM_152564.5(VPS13B):c.11897A>T (p.Lys3966Ile)

Gene: VPS13B (vacuolar protein sorting 13 homolog B; plus strand). Cytogenetic location: 8q22.2.
Variant type: single nucleotide variant.
Coding change: c.11897A>T on transcript NM_152564.5 (MANE Select); coding-DNA position 11897, A replaced by T.
Protein change: p.Lys3966Ile; replaces lysine 3966 with isoleucine.
Molecular consequence: missense variant.
Genome position (GRCh38, 1-based): chr8:99,875,569, A>T. VCF-style: chr8-99875569-A-T. GRCh37 (hg19) VCF-style: chr8-100887797-A-T.
Other names: c.11897A>T (NM_152564.4); c.11972A>T, p.Lys3991Ile (NM_017890.5); short protein forms K3966I, K3991I.
Identifiers: ClinVar variation 361097 (VCV000361097.22), dbSNP rs117934093, ClinGen allele CA4825371.

ClinVar aggregate classification (germline): Conflicting classifications of pathogenicity. Review status: criteria provided, conflicting classifications (1 of 4 stars). 5 submissions from 5 submitters: Uncertain significance (1); Likely benign (2). 2 of the submissions do not count toward it. Last evaluated 2026-01-26.

Conditions:
VPS13B-related disorder. Also called: VPS13B-related condition.
Cohen syndrome (COH1). Also called: PEPPER SYNDROME; Cutis verticis gyrata, retinitis pigmentosa, and sensorineural deafness. Identifiers: Orphanet 193, MedGen C0265223, MONDO:0008999, OMIM 216550.

Allele frequency attached by ClinVar (database versions not stated): gnomAD exomes 0.00008 and 0.00027; gnomAD 0.00009 and 0.00013; TOPMed 0.00018; ExAC 0.00026; 1000 Genomes Project 30x 0.00078; 1000 Genomes Project 0.00100.
gnomAD v4.1: 155 of 1,614,148 alleles (0.0096%); highest among the groups gnomAD compares: East Asian, 0.27%; no homozygotes.

Submissions (5):

Labcorp Genetics (formerly Invitae), Labcorp
Classification: Likely benign for Cohen syndrome. Last evaluated: 2026-01-26. Review status: criteria provided, single submitter. Criteria: Invitae Variant Classification Sherloc (09022015). Collection method: clinical testing. Allele origin: germline.

Blueprint Genetics
Classification: Likely benign. Last evaluated: 2024-09-09. Review status: criteria provided, single submitter. Criteria: ACMG Guidelines, 2015. Collection method: clinical testing. Allele origin: germline.

Genome-Nilou Lab
Classification: Uncertain significance for Cohen syndrome. Last evaluated: 2021-05-18. Review status: criteria provided, single submitter. Criteria: ACMG Guidelines, 2015. Collection method: clinical testing. Allele origin: germline. Affected: no.

Natera, Inc.
Classification: Likely benign for Cohen syndrome. Last evaluated: 2020-06-22. Review status: no assertion criteria provided. Collection method: clinical testing. Allele origin: germline. Not counted in ClinVar's aggregate classification.

PreventionGenetics, part of Exact Sciences
Classification: Likely benign for VPS13B-related condition. Last evaluated: 2019-11-27. Review status: no assertion criteria provided. Collection method: clinical testing. Allele origin: germline. Not counted in ClinVar's aggregate classification.
Comment: This variant is classified as likely benign based on ACMG/AMP sequence variant interpretation guidelines (Richards et al. 2015 PMID: 25741868, with internal and published modifications).